The following is an entry in ClinVar:

NM_001127208.3(TET2):c.875T>C (p.Val292Ala)

Genes: TET2 (tet methylcytosine dioxygenase 2; plus strand), TET2-AS1 (TET2 antisense RNA 1; minus strand). Cytogenetic location: 4q24.
Variant type: single nucleotide variant.
Coding change: c.875T>C on transcript NM_001127208.3 (MANE Select); coding-DNA position 875, T replaced by C.
Protein change: p.Val292Ala; replaces valine 292 with alanine.
Molecular consequence: missense variant.
Genome position (GRCh38, 1-based): chr4:105,234,817, T>C. VCF-style: chr4-105234817-T-C. GRCh37 (hg19) VCF-style: chr4-106155974-T-C.
Other names: c.875T>C, p.Val292Ala (NM_017628.4); short protein forms V292A.
Identifiers: ClinVar variation 3967573 (VCV003967573.1).
Genomic context (GRCh38, chr4:105,234,817, plus strand): 5'-GGCAGATCAATTCCGCACAGACCTCTAACTCTGAGCTGCCTCCAAAGCCAGCTGCAGTGG[T>C]GAGTGAGGCCTGTGATGCTGATGATGCTGATAATGCCAGTAAACTAGCTGCAATGCTAAA-3'
Protein context (NP_001120680.1, residues 282-302): SELPPKPAAV[Val292Ala]SEACDADDAD

ClinVar aggregate classification (germline): Uncertain significance (1 of 4 stars; one submission).

Submission:

Ambry Genetics
Classification: Uncertain significance. Last evaluated: 2025-04-18. Review status: criteria provided, single submitter. Criteria: Ambry Variant Classification Scheme 2023. Collection method: clinical testing. Allele origin: germline.
Comment: The p.V292A variant (also known as c.875T>C), located in coding exon 1 of the TET2 gene, results from a T to C substitution at nucleotide position 875. The valine at codon 292 is replaced by alanine, an amino acid with similar properties. This amino acid position is conserved. In addition, this alteration is predicted to be tolerated by in silico analysis. Based on the available evidence, the clinical significance of this variant remains unclear.